The following is an entry in ClinVar:

NM_017802.4(DNAAF5):c.1910C>G (p.Thr637Arg)

Gene: DNAAF5 (dynein axonemal assembly factor 5; plus strand). Cytogenetic location: 7p22.3.
Variant type: single nucleotide variant.
Coding change: c.1910C>G on transcript NM_017802.4 (MANE Select); coding-DNA position 1910, C replaced by G.
Protein change: p.Thr637Arg; replaces threonine 637 with arginine.
Molecular consequence: missense variant. On other transcripts: non-coding transcript variant (1).
Genome position (GRCh38, 1-based): chr7:770,597, C>G. VCF-style: chr7-770597-C-G. GRCh37 (hg19) VCF-style: chr7-810234-C-G.
Other names: short protein forms T637R.
Identifiers: ClinVar variation 2563331 (VCV002563331.2), dbSNP rs776818388, ClinGen allele CA366543322.

ClinVar aggregate classification (germline): Uncertain significance (1 of 4 stars; one submission).

Conditions:
Primary ciliary dyskinesia. Also called: Ciliary dyskinesia. Identifiers: Orphanet 244, MedGen C0008780, MONDO:0016575, HP:0012265.

gnomAD v4.1: 4 of 1,613,678 alleles (0.00025%); highest among the groups gnomAD compares: Non-Finnish European, 0.00034%; no homozygotes.

Submission:

Ambry Genetics
Classification: Uncertain significance for Primary ciliary dyskinesia. Last evaluated: 2023-03-18. Review status: criteria provided, single submitter. Criteria: Ambry Variant Classification Scheme 2023. Collection method: clinical testing. Allele origin: germline.
Comment: The p.T637R variant (also known as c.1910C>G), located in coding exon 9 of the DNAAF5 gene, results from a C to G substitution at nucleotide position 1910. The threonine at codon 637 is replaced by arginine, an amino acid with similar properties. This amino acid position is conserved. In addition, this alteration is predicted to be tolerated by in silico analysis. Since supporting evidence is limited at this time, the clinical significance of this alteration remains unclear.